The following is an entry in ClinVar:

ClinVar aggregate classification (germline): Uncertain significance (1 of 4 stars; one submission).

Submission:

Ambry Genetics
Classification: Uncertain significance. Last evaluated: 2025-01-04. Review status: criteria provided, single submitter. Criteria: Ambry Variant Classification Scheme 2023. Collection method: clinical testing. Allele origin: germline.
Comment: The p.W7R variant (also known as c.19T>C), located in coding exon 1 of the GEN1 gene, results from a T to C substitution at nucleotide position 19. The tryptophan at codon 7 is replaced by arginine, an amino acid with dissimilar properties. This amino acid position is conserved. In addition, this alteration is predicted to be deleterious by in silico analysis. Based on the available evidence, the clinical significance of this variant remains unclear.

NM_001130009.3(GEN1):c.19T>C (p.Trp7Arg)

Gene: GEN1 (GEN1 Holliday junction 5' flap endonuclease; plus strand). Cytogenetic location: 2p24.2.
Variant type: single nucleotide variant.
Coding change: c.19T>C on transcript NM_001130009.3 (MANE Select); coding-DNA position 19, T replaced by C.
Protein change: p.Trp7Arg; replaces tryptophan 7 with arginine.
Molecular consequence: missense variant.
Genome position (GRCh38, 1-based): chr2:17,759,962, T>C. VCF-style: chr2-17759962-T-C. GRCh37 (hg19) VCF-style: chr2-17941229-T-C.
Other names: c.19T>C, p.Trp7Arg (NM_182625.5); short protein forms W7R.
Identifiers: ClinVar variation 3853479 (VCV003853479.1).